The following is an entry in ClinVar:

ClinVar aggregate classification (germline): Uncertain significance (1 of 4 stars; one submission).

Submission:

GeneDx
Classification: Uncertain significance. Last evaluated: 2021-07-02. Review status: criteria provided, single submitter. Criteria: GeneDx Variant Classification Process June 2021. Collection method: clinical testing. Allele origin: germline. Affected: yes.
Comment: Not observed in large population cohorts (Lek et al., 2016); In silico analysis, which includes protein predictors and evolutionary conservation, supports a deleterious effect; Has not been previously published as pathogenic or benign to our knowledge; This variant is associated with the following publications: (PMID: 27535533)

NM_000260.4(MYO7A):c.1408T>A (p.Phe470Ile)

Gene: MYO7A (myosin VIIA; plus strand). Cytogenetic location: 11q13.5.
Variant type: single nucleotide variant.
Coding change: c.1408T>A on transcript NM_000260.4 (MANE Select); coding-DNA position 1408, T replaced by A.
Protein change: p.Phe470Ile; replaces phenylalanine 470 with isoleucine.
Molecular consequence: missense variant.
Genome position (GRCh38, 1-based): chr11:77,162,184, T>A. VCF-style: chr11-77162184-T-A. GRCh37 (hg19) VCF-style: chr11-76873230-T-A.
Other names: c.1408T>A, p.Phe470Ile (NM_001127180.2); c.1375T>A, p.Phe459Ile (NM_001369365.1); short protein forms F459I, F470I.
Identifiers: ClinVar variation 1309833 (VCV001309833.2), dbSNP rs2135302424, ClinGen allele CA381935335.